The following is an entry in ClinVar:

ClinVar aggregate classification (germline): Uncertain significance (1 of 4 stars; one submission).

Conditions:
Mendelian susceptibility to mycobacterial diseases due to complete ISG15 deficiency. Also called: IMMUNODEFICIENCY 38, MYCOBACTERIOSIS, AUTOSOMAL RECESSIVE; ISG15 DEFICIENCY, AUTOSOMAL RECESSIVE; Immunodeficiency 38 with basal ganglia calcification; Immunodeficiency 38. Identifiers: Orphanet 319563, MedGen C4015293, MONDO:0014502, OMIM 616126.

Submission:

Labcorp Genetics (formerly Invitae), Labcorp
Classification: Uncertain significance for Mendelian susceptibility to mycobacterial diseases due to complete ISG15 deficiency. Last evaluated: 2024-02-17. Review status: criteria provided, single submitter. Criteria: Invitae Variant Classification Sherloc (09022015). Collection method: clinical testing. Allele origin: germline.
Comment: This sequence change replaces threonine, which is neutral and polar, with isoleucine, which is neutral and non-polar, at codon 147 of the ISG15 protein (p.Thr147Ile). This variant is present in population databases (rs773590823, gnomAD 0.008%). This variant has not been reported in the literature in individuals affected with ISG15-related conditions. An algorithm developed to predict the effect of missense changes on protein structure and function (PolyPhen-2) suggests that this variant is likely to be disruptive. In summary, the available evidence is currently insufficient to determine the role of this variant in disease. Therefore, it has been classified as a Variant of Uncertain Significance.

NM_005101.4(ISG15):c.440C>T (p.Thr147Ile)

Gene: ISG15 (ISG15 ubiquitin like modifier; plus strand). Cytogenetic location: 1p36.33.
Variant type: single nucleotide variant.
Coding change: c.440C>T on transcript NM_005101.4 (MANE Select); coding-DNA position 440, C replaced by T.
Protein change: p.Thr147Ile; replaces threonine 147 with isoleucine.
Molecular consequence: missense variant.
Genome position (GRCh38, 1-based): chr1:1,014,420, C>T. VCF-style: chr1-1014420-C-T. GRCh37 (hg19) VCF-style: chr1-949800-C-T.
Other names: short protein forms T147I.
Identifiers: ClinVar variation 3607474 (VCV003607474.2).
Genomic context (GRCh38, chr1:1,014,420, plus strand): 5'-AGGGGAAGCCCCTGGAGGACCAGCTCCCGCTGGGGGAGTACGGCCTCAAGCCCCTGAGCA[C>T]CGTGTTCATGAATCTGCGCCTGCGGGGAGGCGGCACAGAGCCTGGCGGGCGGAGCTAAGG-3'
Protein context (NP_005092.1, residues 137-157): LGEYGLKPLS[Thr147Ile]VFMNLRLRGG